The following is an entry in ClinVar:

NM_020778.5(ALPK3):c.3346G>C (p.Gly1116Arg)

Gene: ALPK3 (alpha kinase 3; plus strand). Cytogenetic location: 15q25.3.
Variant type: single nucleotide variant.
Coding change: c.3346G>C on transcript NM_020778.5 (MANE Select); coding-DNA position 3346, G replaced by C.
Protein change: p.Gly1116Arg; replaces glycine 1116 with arginine.
Molecular consequence: missense variant.
Genome position (GRCh38, 1-based): chr15:84,858,084, G>C. VCF-style: chr15-84858084-G-C. GRCh37 (hg19) VCF-style: chr15-85401315-G-C.
Other names: short protein forms G1116R.
Identifiers: ClinVar variation 4803947 (VCV004803947.1).
Genomic context (GRCh38, chr15:84,858,084, plus strand): 5'-TCCCCTGAGGGGCCTGGCCTCCTGGGGGCCTCTCAGGAGAGCAGCATGGCTGGTCGACTG[G>C]GGGAGGCGGGTGGGCAGGCAGCCCCTGGACAGGGGCCCTCAGCAGAGAGCATAGCCCAGG-3'
Protein context (NP_065829.4, residues 1106-1126): SQESSMAGRL[Gly1116Arg]EAGGQAAPGQ

ClinVar aggregate classification (germline): Uncertain significance (1 of 4 stars; one submission).

Submission:

Labcorp Genetics (formerly Invitae), Labcorp
Classification: Uncertain significance. Last evaluated: 2025-12-13. Review status: criteria provided, single submitter. Criteria: Invitae Variant Classification Sherloc (09022015). Collection method: clinical testing. Allele origin: germline.
Comment: This sequence change replaces glycine, which is neutral and non-polar, with arginine, which is basic and polar, at codon 1318 of the ALPK3 protein (p.Gly1318Arg). This variant is not present in population databases (gnomAD no frequency). This variant has not been reported in the literature in individuals affected with ALPK3-related conditions. Invitae Evidence Modeling of protein sequence and biophysical properties (such as structural, functional, and spatial information, amino acid conservation, physicochemical variation, residue mobility, and thermodynamic stability) indicates that this missense variant is not expected to disrupt ALPK3 protein function with a negative predictive value of 80%. In summary, the available evidence is currently insufficient to determine the role of this variant in disease. Therefore, it has been classified as a Variant of Uncertain Significance.